The following is an entry in ClinVar:

ClinVar aggregate classification (germline): Uncertain significance (1 of 4 stars; one submission).

Allele frequency attached by ClinVar (database versions not stated): gnomAD exomes below 0.00001; ExAC 0.00001.
gnomAD v4.1: 5 of 1,614,106 alleles (0.00031%); highest among the groups gnomAD compares: East Asian, 0.0022%; no homozygotes.

Submission:

Labcorp Genetics (formerly Invitae), Labcorp
Classification: Uncertain significance. Last evaluated: 2022-08-31. Review status: criteria provided, single submitter. Criteria: Invitae Variant Classification Sherloc (09022015). Collection method: clinical testing. Allele origin: germline.
Comment: ClinVar contains an entry for this variant (Variation ID: 846253). This sequence change replaces proline, which is neutral and non-polar, with serine, which is neutral and polar, at codon 453 of the MTOR protein (p.Pro453Ser). This variant is present in population databases (rs771466767, gnomAD 0.006%). This variant has not been reported in the literature in individuals affected with MTOR-related conditions. Advanced modeling of protein sequence and biophysical properties (such as structural, functional, and spatial information, amino acid conservation, physicochemical variation, residue mobility, and thermodynamic stability) performed at Invitae indicates that this missense variant is not expected to disrupt MTOR protein function. In summary, the available evidence is currently insufficient to determine the role of this variant in disease. Therefore, it has been classified as a Variant of Uncertain Significance.

NM_004958.4(MTOR):c.1357C>T (p.Pro453Ser)

Gene: MTOR (mechanistic target of rapamycin kinase; minus strand). Cytogenetic location: 1p36.22.
Variant type: single nucleotide variant.
Coding change: c.1357C>T on transcript NM_004958.4 (MANE Select); coding-DNA position 1357, C replaced by T.
Protein change: p.Pro453Ser; replaces proline 453 with serine.
Molecular consequence: missense variant.
Genome position (GRCh38, 1-based): chr1:11,243,169, G>A on the plus strand (C>T on the coding strand, the complement: MTOR is on the minus strand). VCF-style: chr1-11243169-G-A. GRCh37 (hg19) VCF-style: chr1-11303226-G-A.
Other names: short protein forms P453S.
Identifiers: ClinVar variation 846253 (VCV000846253.9), dbSNP rs771466767, ClinGen allele CA590754.